The following is an entry in ClinVar:

NM_032608.7(MYO18B):c.3886-15_3886-14delinsAG

Gene: MYO18B (myosin XVIIIB; plus strand). Cytogenetic location: 22q12.1.
Variant type: Indel.
Coding change: c.3886-15_3886-14delinsAG on transcript NM_032608.7 (MANE Select); 15 bases into the intron before coding-DNA position 3886 through 14 bases into the intron before coding-DNA position 3886, TA replaced by AG.
Molecular consequence: intron variant.
Genome position (GRCh38, 1-based): chr22:25,868,305-25,868,306, TA replaced by AG. VCF-style: chr22-25868305-TA-AG. GRCh37 (hg19) VCF-style: chr22-26264272-TA-AG.
Other names: c.3889-15_3889-14delinsAG (NM_001318245.2).
Identifiers: ClinVar variation 4726432 (VCV004726432.1).

ClinVar aggregate classification (germline): Uncertain significance (1 of 4 stars; one submission).

Submission:

Labcorp Genetics (formerly Invitae), Labcorp
Classification: Uncertain significance. Last evaluated: 2026-01-18. Review status: criteria provided, single submitter. Criteria: Invitae Variant Classification Sherloc (09022015). Collection method: clinical testing. Allele origin: germline.
Comment: This sequence change falls in intron 21 of the MYO18B gene. It does not directly change the encoded amino acid sequence of the MYO18B protein. Information on the frequency of this variant in the gnomAD database is not available, as this variant may be reported differently in the database. This variant has not been reported in the literature in individuals affected with MYO18B-related conditions. Experimental studies and prediction algorithms are not available or were not evaluated, and the effect of this variant on mRNA splicing is currently unknown. In summary, the available evidence is currently insufficient to determine the role of this variant in disease. Therefore, it has been classified as a Variant of Uncertain Significance.